The following is an entry in ClinVar:

ClinVar aggregate classification (germline): Uncertain significance (1 of 4 stars; one submission).

Allele frequency attached by ClinVar (database versions not stated): gnomAD 0.00001; TOPMed 0.00001.

Submission:

Ambry Genetics
Classification: Uncertain significance. Last evaluated: 2021-11-04. Review status: criteria provided, single submitter. Criteria: Ambry Variant Classification Scheme 2023. Collection method: clinical testing. Allele origin: germline.
Comment: The p.K125N variant (also known as c.375G>C), located in coding exon 2 of the MYLK2 gene, results from a G to C substitution at nucleotide position 375. The lysine at codon 125 is replaced by asparagine, an amino acid with similar properties. This amino acid position is conserved. In addition, this alteration is predicted to be tolerated by in silico analysis. Since supporting evidence is limited at this time, the clinical significance of this alteration remains unclear.

NM_033118.4(MYLK2):c.375G>C (p.Lys125Asn)

Gene: MYLK2 (myosin light chain kinase 2; plus strand). Cytogenetic location: 20q11.21.
Variant type: single nucleotide variant.
Coding change: c.375G>C on transcript NM_033118.4 (MANE Select); coding-DNA position 375, G replaced by C.
Protein change: p.Lys125Asn; replaces lysine 125 with asparagine.
Molecular consequence: missense variant.
Genome position (GRCh38, 1-based): chr20:31,820,448, G>C. VCF-style: chr20-31820448-G-C. GRCh37 (hg19) VCF-style: chr20-30408251-G-C.
Other names: short protein forms K125N.
Identifiers: ClinVar variation 1734654 (VCV001734654.2), dbSNP rs1244365771, ClinGen allele CA408525470.